The following is an entry in ClinVar:

ClinVar aggregate classification (germline): Uncertain significance. Review status: criteria provided, multiple submitters, no conflicts (2 of 4 stars). 2 submissions from 2 submitters: Uncertain significance (2). Last evaluated 2026-06-15.

Conditions:
PCNT-related disorder. Also called: PCNT-related condition.

Allele frequency attached by ClinVar (database versions not stated): gnomAD 0.00003; gnomAD exomes below 0.00001; TOPMed 0.00001.

Submissions (2):

PreventionGenetics, part of Exact Sciences
Classification: Uncertain significance for PCNT-related condition. Last evaluated: 2026-06-15. Review status: criteria provided, single submitter. Criteria: ACMG Guidelines, 2015. Collection method: clinical testing. Allele origin: germline.
Comment: The PCNT c.3544C>T variant is predicted to result in the amino acid substitution p.Arg1182Trp. To our knowledge, this variant has not been reported in the literature or in a large population database (gnomAD), indicating this variant is rare. At this time, the clinical significance of this variant is uncertain due to the absence of conclusive functional and genetic evidence.

Labcorp Genetics (formerly Invitae), Labcorp
Classification: Uncertain significance. Last evaluated: 2024-05-15. Review status: criteria provided, single submitter. Criteria: Invitae Variant Classification Sherloc (09022015). Collection method: clinical testing. Allele origin: germline.
Comment: This sequence change replaces arginine, which is basic and polar, with tryptophan, which is neutral and slightly polar, at codon 1182 of the PCNT protein (p.Arg1182Trp). This variant is not present in population databases (gnomAD no frequency). This variant has not been reported in the literature in individuals affected with PCNT-related conditions. ClinVar contains an entry for this variant (Variation ID: 1899889). An algorithm developed to predict the effect of missense changes on protein structure and function (PolyPhen-2) suggests that this variant is likely to be disruptive. In summary, the available evidence is currently insufficient to determine the role of this variant in disease. Therefore, it has been classified as a Variant of Uncertain Significance.

NM_006031.6(PCNT):c.3544C>T (p.Arg1182Trp)

Gene: PCNT (pericentrin; plus strand). Cytogenetic location: 21q22.3.
Variant type: single nucleotide variant.
Coding change: c.3544C>T on transcript NM_006031.6 (MANE Select); coding-DNA position 3544, C replaced by T.
Protein change: p.Arg1182Trp; replaces arginine 1182 with tryptophan.
Molecular consequence: missense variant.
Genome position (GRCh38, 1-based): chr21:46,388,821, C>T. VCF-style: chr21-46388821-C-T. GRCh37 (hg19) VCF-style: chr21-47808736-C-T.
Other names: c.3544C>T (NM_006031.5); c.3190C>T, p.Arg1064Trp (NM_001315529.2); short protein forms R1182W, R1064W.
Identifiers: ClinVar variation 1899889 (VCV001899889.5), dbSNP rs1474329571, ClinGen allele CA410574862.